The following is an entry in ClinVar:

NM_000353.3(TAT):c.9dup (p.Tyr4fs)

Gene: TAT (tyrosine aminotransferase; minus strand). Cytogenetic location: 16q22.2.
Variant type: Duplication.
Coding change: c.9dup on transcript NM_000353.3 (MANE Select); coding-DNA position 9, one base duplicated (A; older notation c.9dupA).
Protein change: p.Tyr4fs; shifts the reading frame from tyrosine 4.
Molecular consequence: frameshift variant.
Genome position (GRCh38, 1-based): chr16:71,576,407, T duplicated on the plus strand (A on the coding strand, the reverse complement: TAT is on the minus strand). VCF-style (leftmost placement, unchanged base first): chr16-71576406-A-AT. GRCh37 (hg19) VCF-style: chr16-71610309-A-AT.
Other names: short protein forms Y4fs.
Identifiers: ClinVar variation 1074025 (VCV001074025.2), dbSNP rs2145236177, ClinGen allele CA2499223687.

ClinVar aggregate classification (germline): Pathogenic (1 of 4 stars; one submission).

Conditions:
Tyrosinemia type II (TYRSN2). Also called: OREGON TYPE TYROSINEMIA; TAT DEFICIENCY; TYROSINE AMINOTRANSFERASE DEFICIENCY; TYROSINE TRANSAMINASE DEFICIENCY; KERATOSIS PALMOPLANTARIS WITH CORNEAL DYSTROPHY. Identifiers: Orphanet 28378, MedGen C0268487, MONDO:0010160, OMIM 276600.

Submission:

Labcorp Genetics (formerly Invitae), Labcorp
Classification: Pathogenic for Tyrosinemia type II. Last evaluated: 2020-01-22. Review status: criteria provided, single submitter. Criteria: Invitae Variant Classification Sherloc (09022015). Collection method: clinical testing. Allele origin: germline.
Comment: This sequence change creates a premature translational stop signal (p.Tyr4Ilefs*89) in the TAT gene. It is expected to result in an absent or disrupted protein product. This variant is not present in population databases (ExAC no frequency). This variant has not been reported in the literature in individuals with TAT-related conditions. Loss-of-function variants in TAT are known to be pathogenic (PMID: 9544843). For these reasons, this variant has been classified as Pathogenic.

Literature cited by the submitters: PubMed 9544843.